The following is an entry in ClinVar:

ClinVar aggregate classification (germline): Uncertain significance (1 of 4 stars; one submission).

Conditions:
Juvenile polyposis syndrome (JPS). Identifiers: Orphanet 2929, MedGen C0345893, MONDO:0017380, OMIM 174900.

Submission:

Labcorp Genetics (formerly Invitae), Labcorp
Classification: Uncertain significance for Juvenile polyposis syndrome. Last evaluated: 2024-09-03. Review status: criteria provided, single submitter. Criteria: Invitae Variant Classification Sherloc (09022015). Collection method: clinical testing. Allele origin: germline.
Comment: This sequence change replaces serine, which is neutral and polar, with asparagine, which is neutral and polar, at codon 42 of the SMAD4 protein (p.Ser42Asn). This variant is not present in population databases (gnomAD no frequency). This variant has not been reported in the literature in individuals affected with SMAD4-related conditions. ClinVar contains an entry for this variant (Variation ID: 946004). Invitae Evidence Modeling of protein sequence and biophysical properties (such as structural, functional, and spatial information, amino acid conservation, physicochemical variation, residue mobility, and thermodynamic stability) has been performed for this missense variant. However, the output from this modeling did not meet the statistical confidence thresholds required to predict the impact of this variant on SMAD4 protein function. In summary, the available evidence is currently insufficient to determine the role of this variant in disease. Therefore, it has been classified as a Variant of Uncertain Significance.

NM_005359.6(SMAD4):c.125G>A (p.Ser42Asn)

Gene: SMAD4 (SMAD family member 4; plus strand). Cytogenetic location: 18q21.2.
Variant type: single nucleotide variant.
Coding change: c.125G>A on transcript NM_005359.6 (MANE Select); coding-DNA position 125, G replaced by A.
Protein change: p.Ser42Asn; replaces serine 42 with asparagine.
Molecular consequence: missense variant.
Genome position (GRCh38, 1-based): chr18:51,047,171, G>A. VCF-style: chr18-51047171-G-A. GRCh37 (hg19) VCF-style: chr18-48573541-G-A.
Other names: short protein forms S42N.
Identifiers: ClinVar variation 946004 (VCV000946004.9), dbSNP rs1909568796, ClinGen allele CA402457743.